The following is an entry in ClinVar:

ClinVar aggregate classification (germline): Uncertain significance (1 of 4 stars; one submission).

Submission:

Ambry Genetics
Classification: Uncertain significance. Last evaluated: 2025-02-26. Review status: criteria provided, single submitter. Criteria: Ambry Variant Classification Scheme 2023. Collection method: clinical testing. Allele origin: germline.
Comment: The p.L572P variant (also known as c.1715T>C), located in coding exon 17 of the KIF1B gene, results from a T to C substitution at nucleotide position 1715. The leucine at codon 572 is replaced by proline, an amino acid with similar properties. This amino acid position is conserved. In addition, this alteration is predicted to be deleterious by in silico analysis. Based on the available evidence, the clinical significance of this variant remains unclear.

NM_001365951.3(KIF1B):c.1853T>C (p.Leu618Pro)

Gene: KIF1B (kinesin family member 1B; plus strand). Cytogenetic location: 1p36.22.
Variant type: single nucleotide variant.
Coding change: c.1853T>C on transcript NM_001365951.3 (MANE Select); coding-DNA position 1853, T replaced by C.
Protein change: p.Leu618Pro; replaces leucine 618 with proline.
Molecular consequence: missense variant.
Genome position (GRCh38, 1-based): chr1:10,296,657, T>C. VCF-style: chr1-10296657-T-C. GRCh37 (hg19) VCF-style: chr1-10356715-T-C.
Other names: c.1853T>C, p.Leu618Pro (NM_001365952.1); c.1715T>C, p.Leu572Pro (NM_001365953.1, NM_015074.3, NM_183416.4); short protein forms L572P, L618P.
Identifiers: ClinVar variation 3864110 (VCV003864110.1).